The following is an entry in ClinVar:

ClinVar aggregate classification (germline): Uncertain significance (1 of 4 stars; one submission).

Conditions:
Familial adenomatous polyposis 1 (FAP1). Also called: FAMILIAL ADENOMATOUS POLYPOSIS 1, ATTENUATED; POLYPOSIS, ADENOMATOUS INTESTINAL. Identifiers: MedGen C2713442, MONDO:0021056, OMIM 175100. Disease mechanism: loss of function.

Allele frequency attached by ClinVar (database versions not stated): TOPMed below 0.00001; gnomAD 0.00001.

Submission:

Labcorp Genetics (formerly Invitae), Labcorp
Classification: Uncertain significance for Familial adenomatous polyposis 1. Last evaluated: 2025-10-20. Review status: criteria provided, single submitter. Criteria: Invitae Variant Classification Sherloc (09022015). Collection method: clinical testing. Allele origin: germline.
Comment: This variant occurs in a non-coding region of the APC gene. It does not change the encoded amino acid sequence of the APC protein. This variant is not present in population databases (gnomAD no frequency). This variant has not been reported in the literature in individuals affected with APC-related conditions. Experimental studies and prediction algorithms are not available or were not evaluated, and the functional significance of this variant is currently unknown. In summary, the available evidence is currently insufficient to determine the role of this variant in disease. Therefore, it has been classified as a Variant of Uncertain Significance.

NC_000005.10:g.112707424G>A

Gene: APC (APC regulator of Wnt signaling pathway; plus strand). Cytogenetic location: 5q22.2.
Variant type: single nucleotide variant.
Genome position: GRCh38 VCF-style: chr5-112707424-G-A. GRCh37 (hg19) VCF-style: chr5-112043121-G-A.
Identifiers: ClinVar variation 3011245 (VCV003011245.3), dbSNP rs1185261719, ClinGen allele CA802056904.